The following is an entry in ClinVar:

ClinVar aggregate classification (germline): Benign/Likely benign. Review status: criteria provided, multiple submitters, no conflicts (2 of 4 stars). 3 submissions from 3 submitters: Benign (1); Likely benign (2). Last evaluated 2026-05-21.

Conditions:
Hereditary cancer-predisposing syndrome. Also called: Hereditary neoplastic syndrome; Neoplastic Syndromes, Hereditary; Hereditary Cancer Syndrome; Tumor predisposition. Identifiers: Orphanet 140162, MedGen C0027672, MeSH D009386, MONDO:0015356.
Cardiovascular phenotype. Identifiers: MedGen CN230736.
Neurofibromatosis, type 1 (NF1). Also called: Peripheral type neurofibromatosis; Neurofibromatosis, type I; VON RECKLINGHAUSEN DISEASE; NEUROFIBROMATOSIS, TYPE I, SOMATIC. Identifiers: Orphanet 636, MedGen C0027831, MONDO:0018975, OMIM 162200. Disease mechanism: loss of function.

Allele frequency attached by ClinVar (database versions not stated): ExAC 0.00001; 1000 Genomes Project 0.00020; gnomAD exomes below 0.00001; gnomAD 0.00001; TOPMed 0.00001; 1000 Genomes Project 30x 0.00016.
gnomAD v4.1: 2 of 1,613,020 alleles (0.00012%); highest among the groups gnomAD compares: East Asian, 0.0045%; no homozygotes.

Submissions (3):

Myriad Genetics, Inc.
Classification: Benign for Neurofibromatosis, type 1. Last evaluated: 2026-05-21. Review status: criteria provided, single submitter. Criteria: Myriad Autosomal Dominant, Autosomal Recessive and X-Linked Classification Criteria (2023). Collection method: clinical testing. Allele origin: unknown.
Comment: This variant is considered benign. This variant is a silent/synonymous amino acid change and it is not expected to impact splicing.

Labcorp Genetics (formerly Invitae), Labcorp
Classification: Likely benign for Neurofibromatosis, type 1. Last evaluated: 2025-12-10. Review status: criteria provided, single submitter. Criteria: Invitae Variant Classification Sherloc (09022015). Collection method: clinical testing. Allele origin: germline.

Ambry Genetics
Classification: Likely benign for Cardiovascular phenotype; Hereditary cancer-predisposing syndrome. Last evaluated: 2019-12-05. Review status: criteria provided, single submitter. Criteria: Ambry Variant Classification Scheme 2023. Collection method: clinical testing. Allele origin: germline.

NM_001042492.3(NF1):c.7428T>C (p.Tyr2476=)

Gene: NF1 (neurofibromin 1; plus strand). Cytogenetic location: 17q11.2.
Variant type: single nucleotide variant.
Coding change: c.7428T>C on transcript NM_001042492.3 (MANE Select); coding-DNA position 7428, T replaced by C.
Protein change: p.Tyr2476=; no amino-acid change (tyrosine 2476 retained).
Molecular consequence: synonymous variant.
Genome position (GRCh38, 1-based): chr17:31,350,289, T>C. VCF-style: chr17-31350289-T-C. GRCh37 (hg19) VCF-style: chr17-29677307-T-C.
Other names: c.7365T>C, p.Tyr2455= (NM_000267.4).
Identifiers: ClinVar variation 457843 (VCV000457843.13), dbSNP rs181397225, ClinGen allele CA8487568.